The following is an entry in ClinVar:

NM_000360.4(TH):c.1324G>C (p.Asp442His)

Gene: TH (tyrosine hydroxylase; minus strand). Cytogenetic location: 11p15.5.
Variant type: single nucleotide variant.
Coding change: c.1324G>C on transcript NM_000360.4 (MANE Select); coding-DNA position 1324, G replaced by C.
Protein change: p.Asp442His; replaces aspartic acid 442 with histidine.
Molecular consequence: missense variant.
Genome position (GRCh38, 1-based): chr11:2,165,242, C>G on the plus strand (G>C on the coding strand, the complement: TH is on the minus strand). VCF-style: chr11-2165242-C-G. GRCh37 (hg19) VCF-style: chr11-2186472-C-G.
Other names: c.1417G>C, p.Asp473His (NM_199292.3); c.1405G>C, p.Asp469His (NM_199293.3); short protein forms D442H, D473H, D469H.
Identifiers: ClinVar variation 1491775 (VCV001491775.8), dbSNP rs775587609, ClinGen allele CA379124865.
Genomic context (GRCh38, chr11:2,165,242, plus strand): 5'-GGCCCAGTTTGGGGGCACCATGGGGGGCTTGCCCTAGCAGCCTAGCCCACCTGAGCTTGT[C>G]CTTGGCGTCACTGAAGCTCTCAGACACGAAGTAGACTGACTGGTACGTCTGGTCTTGGTA-3'
Protein context (NP_000351.2, residues 432-452): FVSESFSDAK[Asp442His]KLRSYASRIQ

ClinVar aggregate classification (germline): Uncertain significance (1 of 4 stars; one submission).

Conditions:
TH-deficient dopa-responsive dystonia. Also called: Tyrosine Hydroxylase-Deficient Dopa-Responsive Dystonia; Segawa syndrome, autosomal recessive; DYT-TH. Identifiers: Orphanet 101150, MedGen C2673535, MONDO:0011551, OMIM 605407.

Submission:

Labcorp Genetics (formerly Invitae), Labcorp
Classification: Uncertain significance for TH-deficient dopa-responsive dystonia. Last evaluated: 2021-05-17. Review status: criteria provided, single submitter. Criteria: Invitae Variant Classification Sherloc (09022015). Collection method: clinical testing. Allele origin: germline.
Comment: In summary, the available evidence is currently insufficient to determine the role of this variant in disease. Therefore, it has been classified as a Variant of Uncertain Significance. Algorithms developed to predict the effect of missense changes on protein structure and function are either unavailable or do not agree on the potential impact of this missense change (SIFT: "Deleterious"; PolyPhen-2: "Possibly Damaging"; Align-GVGD: "Class C0"). This variant has not been reported in the literature in individuals with TH-related conditions. This variant is not present in population databases (ExAC no frequency). This sequence change replaces aspartic acid with histidine at codon 473 of the TH protein (p.Asp473His). The aspartic acid residue is moderately conserved and there is a moderate physicochemical difference between aspartic acid and histidine.